The following is an entry in ClinVar:

NM_001394062.1(MACF1):c.15956G>A (p.Arg5319Gln)

Gene: MACF1 (microtubule actin crosslinking factor 1; plus strand). Cytogenetic location: 1p34.3.
Variant type: single nucleotide variant.
Coding change: c.15956G>A on transcript NM_001394062.1 (MANE Select); coding-DNA position 15956, G replaced by A.
Protein change: p.Arg5319Gln; replaces arginine 5319 with glutamine.
Molecular consequence: missense variant.
Genome position (GRCh38, 1-based): chr1:39,422,513, G>A. VCF-style: chr1-39422513-G-A. GRCh37 (hg19) VCF-style: chr1-39888185-G-A.
Other names: c.4352G>A, p.Arg1451Gln (NM_001397473.1); c.9770G>A, p.Arg3257Gln (NM_012090.5); short protein forms R5319Q, R1451Q, R3257Q.
Identifiers: ClinVar variation 2384147 (VCV002384147.5), dbSNP rs148666575, ClinGen allele CA783218.

ClinVar aggregate classification (germline): Conflicting classifications of pathogenicity. Review status: criteria provided, conflicting classifications (1 of 4 stars). 3 submissions from 3 submitters: Uncertain significance (1); Likely benign (2). Last evaluated 2024-08-31.

Conditions:
Inborn genetic diseases. Identifiers: MedGen C0950123, MeSH D030342.

Allele frequency attached by ClinVar (database versions not stated): ExAC 0.00002; gnomAD exomes 0.00004; gnomAD 0.00009; TOPMed 0.00011; ESP Exome Variant Server 0.00015.
gnomAD v4.1: 76 of 1,612,582 alleles (0.0047%); highest among the groups gnomAD compares: Admixed American, 0.022%; no homozygotes.

Submissions (3):

Labcorp Genetics (formerly Invitae), Labcorp
Classification: Uncertain significance. Last evaluated: 2024-08-31. Review status: criteria provided, single submitter. Criteria: Invitae Variant Classification Sherloc (09022015). Collection method: clinical testing. Allele origin: germline.
Comment: This sequence change replaces arginine, which is basic and polar, with glutamine, which is neutral and polar, at codon 3257 of the MACF1 protein (p.Arg3257Gln). This variant is present in population databases (rs148666575, gnomAD 0.02%). This variant has not been reported in the literature in individuals affected with MACF1-related conditions. ClinVar contains an entry for this variant (Variation ID: 2384147). An algorithm developed to predict the effect of missense changes on protein structure and function (PolyPhen-2) suggests that this variant is likely to be disruptive. In summary, the available evidence is currently insufficient to determine the role of this variant in disease. Therefore, it has been classified as a Variant of Uncertain Significance.

Ambry Genetics
Classification: Likely benign for Inborn genetic diseases. Last evaluated: 2021-10-26. Review status: criteria provided, single submitter. Criteria: Ambry Variant Classification Scheme 2023. Collection method: clinical testing. Allele origin: germline.

Blueprint Genetics
Classification: Likely benign. Last evaluated: 2021-07-15. Review status: criteria provided, single submitter. Criteria: ACMG Guidelines, 2015. Collection method: clinical testing. Allele origin: germline.